The following is an entry in ClinVar:

NM_002900.3(RBP3):c.319A>G (p.Ser107Gly)

Gene: RBP3 (retinol binding protein 3; plus strand). Cytogenetic location: 10q11.22.
Variant type: single nucleotide variant.
Coding change: c.319A>G on transcript NM_002900.3 (MANE Select); coding-DNA position 319, A replaced by G.
Protein change: p.Ser107Gly; replaces serine 107 with glycine.
Molecular consequence: missense variant.
Genome position (GRCh38, 1-based): chr10:47,348,803, A>G. VCF-style: chr10-47348803-A-G. GRCh37 (hg19) VCF-style: chr10-48390559-T-C.
Other names: short protein forms S107G.
Identifiers: ClinVar variation 1716362 (VCV001716362.5), dbSNP rs2549027615, ClinGen allele CA376664828.

ClinVar aggregate classification (germline): Uncertain significance (1 of 4 stars; one submission).

Allele frequency attached by ClinVar (database versions not stated): gnomAD exomes below 0.00001.
gnomAD v4.1: 1 of 1,613,744 alleles (0.000062%); highest among the groups gnomAD compares: Non-Finnish European, 0.000085%; no homozygotes.

Submission:

Labcorp Genetics (formerly Invitae), Labcorp
Classification: Uncertain significance. Last evaluated: 2022-08-13. Review status: criteria provided, single submitter. Criteria: Invitae Variant Classification Sherloc (09022015). Collection method: clinical testing. Allele origin: germline.
Comment: This sequence change replaces serine, which is neutral and polar, with glycine, which is neutral and non-polar, at codon 107 of the RBP3 protein (p.Ser107Gly). This variant has not been reported in the literature in individuals affected with RBP3-related conditions. This variant is not present in population databases (gnomAD no frequency). Algorithms developed to predict the effect of missense changes on protein structure and function are either unavailable or do not agree on the potential impact of this missense change (SIFT: "Tolerated"; PolyPhen-2: "Possibly Damaging"; Align-GVGD: "Class C0"). In summary, the available evidence is currently insufficient to determine the role of this variant in disease. Therefore, it has been classified as a Variant of Uncertain Significance.